The following is an entry in ClinVar:

NM_000186.4(CFH):c.791-4T>C

Gene: CFH (complement factor H; plus strand). Cytogenetic location: 1q31.3.
Variant type: single nucleotide variant.
Coding change: c.791-4T>C on transcript NM_000186.4 (MANE Select); 4 bases into the intron before coding-DNA position 791, T replaced by C.
Molecular consequence: intron variant.
Genome position (GRCh38, 1-based): chr1:196,685,060, T>C. VCF-style: chr1-196685060-T-C. GRCh37 (hg19) VCF-style: chr1-196654190-T-C.
Other names: c.791-4T>C (NM_001014975.3).
Identifiers: ClinVar variation 3341491 (VCV003341491.1).

ClinVar aggregate classification (germline): Uncertain significance (1 of 4 stars; one submission).

Conditions:
Factor H deficiency (CFHD). Also called: CFH DEFICIENCY; COMPLEMENT FACTOR H DEFICIENCY. Identifiers: Orphanet 200421, MedGen C0398777, MONDO:0012350, OMIM 609814.

gnomAD v4.1: 11 of 1,596,790 alleles (0.00069%); highest among the groups gnomAD compares: South Asian, 0.011%; no homozygotes.

Submission:

Neuberg Centre For Genomic Medicine, NCGM
Classification: Uncertain significance for Factor H deficiency. Last evaluated: 2023-05-20. Review status: criteria provided, single submitter. Criteria: ACMG Guidelines, 2015. Collection method: clinical testing. Allele origin: germline. Inheritance: Autosomal dominant inheritance. Affected: yes.
Comment: The observed splice region variant c.791-4T>C in CFH gene has not been reported previously as a pathogenic variant nor as a benign variant, to our knowledge. The p.c.791-4T>C varant is present with an allele frequency of 0.001% on gnomAD database. This variant has not been submitted to the ClinVar database. SpliceAI predicts no effect on the canonical splice site for this variant. For these reasons, this variant has been classified as a Variant of Uncertain Significance (VUS).